The following is an entry in ClinVar:

ClinVar aggregate classification (germline): Uncertain significance (1 of 4 stars; one submission).

Conditions:
Primary ciliary dyskinesia. Also called: Ciliary dyskinesia. Identifiers: Orphanet 244, MedGen C0008780, MONDO:0016575, HP:0012265.

Submission:

Labcorp Genetics (formerly Invitae), Labcorp
Classification: Uncertain significance for Primary ciliary dyskinesia. Last evaluated: 2025-08-15. Review status: criteria provided, single submitter. Criteria: Invitae Variant Classification Sherloc (09022015). Collection method: clinical testing. Allele origin: germline.
Comment: This sequence change replaces serine, which is neutral and polar, with arginine, which is basic and polar, at codon 104 of the CCNO protein (p.Ser104Arg). This variant is not present in population databases (gnomAD no frequency). This variant has not been reported in the literature in individuals affected with CCNO-related conditions. Invitae Evidence Modeling of protein sequence and biophysical properties (such as structural, functional, and spatial information, amino acid conservation, physicochemical variation, residue mobility, and thermodynamic stability) indicates that this missense variant is not expected to disrupt CCNO protein function with a negative predictive value of 80%. In summary, the available evidence is currently insufficient to determine the role of this variant in disease. Therefore, it has been classified as a Variant of Uncertain Significance.

NM_021147.5(CCNO):c.310A>C (p.Ser104Arg)

Gene: CCNO (cyclin O; minus strand). Cytogenetic location: 5q11.2.
Variant type: single nucleotide variant.
Coding change: c.310A>C on transcript NM_021147.5 (MANE Select); coding-DNA position 310, A replaced by C.
Protein change: p.Ser104Arg; replaces serine 104 with arginine.
Molecular consequence: missense variant. On other transcripts: non-coding transcript variant (2).
Genome position (GRCh38, 1-based): chr5:55,233,214, T>G on the plus strand (A>C on the coding strand, the complement: CCNO is on the minus strand). VCF-style: chr5-55233214-T-G. GRCh37 (hg19) VCF-style: chr5-54529042-T-G.
Other names: short protein forms S104R.
Identifiers: ClinVar variation 4744142 (VCV004744142.1).